The following is an entry in ClinVar:

ClinVar aggregate classification (germline): Uncertain significance (1 of 4 stars; one submission).

Conditions:
Retinitis pigmentosa 45 (RP45). Identifiers: Orphanet 791, MedGen C3151066, MONDO:0013413, OMIM 613767.

Submission:

Centre for Mendelian Genomics, University Medical Centre Ljubljana
Classification: Uncertain significance for Retinitis pigmentosa 45. Last evaluated: 2019-08-19. Review status: criteria provided, single submitter. Criteria: ACMG Guidelines, 2015. Collection method: clinical testing. Allele origin: unknown. Affected: yes.
Comment: This variant was classified as: Uncertain significance. The available evidence on this variant's pathogenicity is insufficient or conflicting. The following ACMG criteria were applied in classifying this variant: PM2,PP3.

NM_001297.5(CNGB1):c.1418A>G (p.Asp473Gly)

Gene: CNGB1 (cyclic nucleotide gated channel subunit beta 1; minus strand). Cytogenetic location: 16q21.
Variant type: single nucleotide variant.
Coding change: c.1418A>G on transcript NM_001297.5 (MANE Select); coding-DNA position 1418, A replaced by G.
Protein change: p.Asp473Gly; replaces aspartic acid 473 with glycine.
Molecular consequence: missense variant.
Genome position (GRCh38, 1-based): chr16:57,931,833, T>C on the plus strand (A>G on the coding strand, the complement: CNGB1 is on the minus strand). VCF-style: chr16-57931833-T-C. GRCh37 (hg19) VCF-style: chr16-57965737-T-C.
Other names: c.1400A>G, p.Asp467Gly (NM_001286130.2); short protein forms D473G, D467G.
Identifiers: ClinVar variation 930498 (VCV000930498.3), dbSNP rs769808679, ClinGen allele CA396070916.